The following is an entry in ClinVar:

NM_032043.3(BRIP1):c.1805A>G (p.Asp602Gly)

Gene: BRIP1 (BRCA1 interacting DNA helicase 1; minus strand). Cytogenetic location: 17q23.2.
Variant type: single nucleotide variant.
Coding change: c.1805A>G on transcript NM_032043.3 (MANE Select); coding-DNA position 1805, A replaced by G.
Protein change: p.Asp602Gly; replaces aspartic acid 602 with glycine.
Molecular consequence: missense variant.
Genome position (GRCh38, 1-based): chr17:61,780,391, T>C on the plus strand (A>G on the coding strand, the complement: BRIP1 is on the minus strand). VCF-style: chr17-61780391-T-C. GRCh37 (hg19) VCF-style: chr17-59857752-T-C.
Other names: short protein forms D602G.
Identifiers: ClinVar variation 489816 (VCV000489816.18), dbSNP rs1555602221, ClinGen allele CA400480214.
Genomic context (GRCh38, chr17:61,780,391, plus strand): 5'-GATTTCATTGGTGATAATGTACCAGATGTCAAAACAATGGTCTGAACTTTGCCATTAATA[T>C]CTGAAAAGGCCTAAAAGAAAACAACATTAGATAAATAAAATTATCTTTAGAAGAGGCTGG-3'
Protein context (NP_114432.2, residues 592-612): WCLNPAVAFS[Asp602Gly]INGKVQTIVL

ClinVar aggregate classification (germline): Uncertain significance. Review status: criteria provided, multiple submitters, no conflicts (2 of 4 stars). 3 submissions from 3 submitters: Uncertain significance (3). Last evaluated 2024-12-08.

Conditions:
Fanconi anemia complementation group J. Also called: BRIP1-Related Fanconi Anemia. Identifiers: Orphanet 84, MedGen C1836860, MONDO:0012187, OMIM 609054.
Familial cancer of breast. Also called: BREAST CANCER, FAMILIAL; hereditary breast carcinoma; Hereditary breast cancer. Identifiers: Orphanet 227535, MedGen C0346153, MONDO:0016419, OMIM 114480. Disease mechanism: loss of function.
Hereditary cancer-predisposing syndrome. Also called: Tumor predisposition; Neoplastic Syndromes, Hereditary; Hereditary Cancer Syndrome; Hereditary neoplastic syndrome. Identifiers: Orphanet 140162, MedGen C0027672, MeSH D009386, MONDO:0015356.

Allele frequency attached by ClinVar (database versions not stated): TOPMed below 0.00001.

Submissions (3):

Ambry Genetics
Classification: Uncertain significance for Hereditary cancer-predisposing syndrome. Last evaluated: 2024-12-08. Review status: criteria provided, single submitter. Criteria: Ambry Variant Classification Scheme 2023. Collection method: clinical testing. Allele origin: germline.
Comment: The p.D602G variant (also known as c.1805A>G), located in coding exon 12 of the BRIP1 gene, results from an A to G substitution at nucleotide position 1805. The aspartic acid at codon 602 is replaced by glycine, an amino acid with similar properties. This amino acid position is conserved. In addition, the in silico prediction for this alteration is inconclusive. Since supporting evidence is limited at this time, the clinical significance of this alteration remains unclear.

Labcorp Genetics (formerly Invitae), Labcorp
Classification: Uncertain significance for Familial cancer of breast; Fanconi anemia complementation group J. Last evaluated: 2024-07-12. Review status: criteria provided, single submitter. Criteria: Invitae Variant Classification Sherloc (09022015). Collection method: clinical testing. Allele origin: germline.
Comment: This sequence change replaces aspartic acid, which is acidic and polar, with glycine, which is neutral and non-polar, at codon 602 of the BRIP1 protein (p.Asp602Gly). This variant is not present in population databases (gnomAD no frequency). This variant has not been reported in the literature in individuals affected with BRIP1-related conditions. ClinVar contains an entry for this variant (Variation ID: 489816). Advanced modeling of protein sequence and biophysical properties (such as structural, functional, and spatial information, amino acid conservation, physicochemical variation, residue mobility, and thermodynamic stability) has been performed at Invitae for this missense variant, however the output from this modeling did not meet the statistical confidence thresholds required to predict the impact of this variant on BRIP1 protein function. In summary, the available evidence is currently insufficient to determine the role of this variant in disease. Therefore, it has been classified as a Variant of Uncertain Significance.

Color Diagnostics, LLC DBA Color Health
Classification: Uncertain significance for Hereditary cancer-predisposing syndrome. Last evaluated: 2023-12-05. Review status: criteria provided, single submitter. Criteria: ACMG Guidelines, 2015. Collection method: clinical testing. Allele origin: germline.
Comment: This missense variant replaces aspartic acid with glycine at codon 602 of the BRIP1 protein. Computational prediction suggests that this variant may not impact protein structure and function (internally defined REVEL score threshold <= 0.5, PMID: 27666373). To our knowledge, functional studies have not been reported for this variant. This variant has not been reported in individuals affected with BRIP1-related disorders in the literature. This variant has not been identified in the general population by the Genome Aggregation Database (gnomAD). The available evidence is insufficient to determine the role of this variant in disease conclusively. Therefore, this variant is classified as a Variant of Uncertain Significance.